The following is an entry in ClinVar:

NM_005502.4(ABCA1):c.*2486T>C

Genes: ABCA1 (ATP binding cassette subfamily A member 1; minus strand), NIPSNAP3B (nipsnap homolog 3B; plus strand). Cytogenetic location: 9q31.1.
Variant type: single nucleotide variant.
Coding change: c.*2486T>C on transcript NM_005502.4 (MANE Select); 2486 bases downstream of the stop codon, T replaced by C.
Molecular consequence: 3 prime UTR variant.
Genome position (GRCh38, 1-based): chr9:104,781,829, A>G on the plus strand (T>C on the coding strand, the complement: ABCA1 is on the minus strand). VCF-style: chr9-104781829-A-G. GRCh37 (hg19) VCF-style: chr9-107544110-A-G.
Identifiers: ClinVar variation 364332 (VCV000364332.5), dbSNP rs539455164, ClinGen allele CA10631958.

ClinVar aggregate classification (germline): Conflicting classifications of pathogenicity. Review status: criteria provided, conflicting classifications (1 of 4 stars). 2 submissions from 1 submitter: Uncertain significance (1); Benign (1). Last evaluated 2018-01-13.

Conditions:
Hypoalphalipoproteinemia, primary, 1. Identifiers: Orphanet 425, MedGen C5231558, MONDO:0011393, OMIM 604091.
Tangier disease (TGD). Also called: HIGH DENSITY LIPOPROTEIN DEFICIENCY, TANGIER TYPE; HIGH DENSITY LIPOPROTEIN DEFICIENCY, TYPE 1; Cholesterol thesaurismosis. Identifiers: Orphanet 31150, MedGen C0039292, MONDO:0008783, OMIM 205400.

Allele frequency attached by ClinVar (database versions not stated): TOPMed 0.00011; gnomAD 0.00013 and 0.00015; 1000 Genomes Project 0.00060; 1000 Genomes Project 30x 0.00062.
gnomAD v4.1: 23 of 152,724 alleles (0.015%); highest among the groups gnomAD compares: South Asian, 0.062%; no homozygotes.

Submissions (2):

Illumina Laboratory Services, Illumina
Classification: Benign for Hypoalphalipoproteinemia, primary, 1. Last evaluated: 2018-01-13. Review status: criteria provided, single submitter. Criteria: ICSL Variant Classification Criteria 13 December 2019. Collection method: clinical testing. Allele origin: germline.
Comment: This variant was observed in the ICSL laboratory as part of a predisposition screen in an ostensibly healthy population. It had not been previously curated by ICSL or reported in the Human Gene Mutation Database (HGMD: prior to June 1st, 2018), and was therefore a candidate for classification through an automated scoring system. Utilizing variant allele frequency, disease prevalence and penetrance estimates, and inheritance mode, an automated score was calculated to assess if this variant is too frequent to cause the disease. Based on the score and internal cut-off values, a variant classified as benign is not then subjected to further curation. The score for this variant resulted in a classification of benign for this disease.

Illumina Laboratory Services, Illumina
Classification: Uncertain significance for Tangier disease. Last evaluated: 2018-01-13. Review status: criteria provided, single submitter. Criteria: ICSL Variant Classification Criteria 13 December 2019. Collection method: clinical testing. Allele origin: germline.